The following is an entry in ClinVar:

NM_001743.6(CALM2):c.4-232G>A

Gene: CALM2 (calmodulin 2; minus strand). Cytogenetic location: 2p21.
Variant type: single nucleotide variant.
Coding change: c.4-232G>A on transcript NM_001743.6 (MANE Select); 232 bases into the intron before coding-DNA position 4, G replaced by A.
Molecular consequence: intron variant. On other transcripts: 5 prime UTR variant (1).
Genome position (GRCh38, 1-based): chr2:47,170,996, C>T on the plus strand (G>A on the coding strand, the complement: CALM2 is on the minus strand). VCF-style: chr2-47170996-C-T. GRCh37 (hg19) VCF-style: chr2-47398135-C-T.
Other names: c.-337G>A (NM_001305626.1); c.148-232G>A (NM_001305624.1); c.-105-232G>A (NM_001305625.2).
Identifiers: ClinVar variation 678718 (VCV000678718.2), dbSNP rs79484472, ClinGen allele CA11185127.

ClinVar aggregate classification (germline): Likely benign. Review status: criteria provided, multiple submitters, no conflicts (2 of 4 stars). 2 submissions from 2 submitters: Likely benign (2). Last evaluated 2018-06-19.

Allele frequency attached by ClinVar (database versions not stated): 1000 Genomes Project 0.00439; 1000 Genomes Project 30x 0.00468; TOPMed 0.00579; gnomAD exomes 0.00947; gnomAD 0.01339.
gnomAD v4.1: 4,275 of 471,884 alleles (0.91%); highest among the groups gnomAD compares: Non-Finnish European, 1.1%; 42 homozygotes.

Submissions (2):

GeneDx
Classification: Likely benign. Last evaluated: 2018-06-19. Review status: criteria provided, single submitter. Criteria: GeneDx Variant Classification (06012015). Collection method: clinical testing. Allele origin: germline. Affected: yes.
Comment: This variant is considered likely benign or benign based on one or more of the following criteria: it is a conservative change, it occurs at a poorly conserved position in the protein, it is predicted to be benign by multiple in silico algorithms, and/or has population frequency not consistent with disease.

Breakthrough Genomics
Classification: Likely benign. Review status: criteria provided, single submitter. Criteria: ACMG Guidelines, 2015. Collection method: not provided. Allele origin: germline. Inheritance: Autosomal dominant inheritance. Affected: yes.